The following is an entry in ClinVar:

ClinVar aggregate classification (germline): Conflicting classifications of pathogenicity. Review status: criteria provided, conflicting classifications (1 of 4 stars). 3 submissions from 3 submitters: Uncertain significance (2); Likely benign (1). Last evaluated 2024-11-11.

Conditions:
Hereditary cancer-predisposing syndrome. Also called: Neoplastic Syndromes, Hereditary; Tumor predisposition; Hereditary Cancer Syndrome; Hereditary neoplastic syndrome. Identifiers: Orphanet 140162, MedGen C0027672, MeSH D009386, MONDO:0015356.
Pheochromocytoma/paraganglioma syndrome 5. Also called: Paragangliomas 5; SDHA-Related Hereditary Paraganglioma-Pheochromocytoma Syndrome. Identifiers: Orphanet 29072, MedGen C3279992, MONDO:0013602, OMIM 614165.
Mitochondrial complex II deficiency, nuclear type 1. Also called: SUCCINATE CoQ REDUCTASE DEFICIENCY. Identifiers: Orphanet 3208, MedGen C5700310, MONDO:0100294, OMIM 252011.

Submissions (3):

Ambry Genetics
Classification: Uncertain significance for Hereditary cancer-predisposing syndrome. Last evaluated: 2024-11-11. Review status: criteria provided, single submitter. Criteria: Ambry Variant Classification Scheme 2023. Collection method: clinical testing. Allele origin: germline.
Comment: The p.N86D variant (also known as c.256A>G), located in coding exon 3 of the SDHA gene, results from an A to G substitution at nucleotide position 256. The asparagine at codon 86 is replaced by aspartic acid, an amino acid with highly similar properties. This amino acid position is conserved. In addition, this alteration is predicted to be tolerated by in silico analysis. Based on the available evidence, the clinical significance of this variant remains unclear.

Labcorp Genetics (formerly Invitae), Labcorp
Classification: Uncertain significance for Pheochromocytoma/paraganglioma syndrome 5; Mitochondrial complex II deficiency, nuclear type 1. Last evaluated: 2023-11-16. Review status: criteria provided, single submitter. Criteria: Invitae Variant Classification Sherloc (09022015). Collection method: clinical testing. Allele origin: germline.
Comment: This sequence change replaces asparagine, which is neutral and polar, with aspartic acid, which is acidic and polar, at codon 86 of the SDHA protein (p.Asn86Asp). This variant is not present in population databases (gnomAD no frequency). This variant has not been reported in the literature in individuals affected with SDHA-related conditions. ClinVar contains an entry for this variant (Variation ID: 862840). Advanced modeling of protein sequence and biophysical properties (such as structural, functional, and spatial information, amino acid conservation, physicochemical variation, residue mobility, and thermodynamic stability) performed at Invitae indicates that this missense variant is not expected to disrupt SDHA protein function with a negative predictive value of 95%. In summary, the available evidence is currently insufficient to determine the role of this variant in disease. Therefore, it has been classified as a Variant of Uncertain Significance.

Blueprint Genetics
Classification: Likely benign. Last evaluated: 2018-03-23. Review status: criteria provided, single submitter. Criteria: ACMG Guidelines, 2015. Collection method: clinical testing. Allele origin: germline.

NM_004168.4(SDHA):c.256A>G (p.Asn86Asp)

Gene: SDHA (succinate dehydrogenase complex flavoprotein subunit A; plus strand). Cytogenetic location: 5p15.33.
Variant type: single nucleotide variant.
Coding change: c.256A>G on transcript NM_004168.4 (MANE Select); coding-DNA position 256, A replaced by G.
Protein change: p.Asn86Asp; replaces asparagine 86 with aspartic acid.
Molecular consequence: missense variant.
Genome position (GRCh38, 1-based): chr5:224,465, A>G. VCF-style: chr5-224465-A-G. GRCh37 (hg19) VCF-style: chr5-224580-A-G.
Other names: c.256A>G (NM_004168.2); c.256A>G, p.Asn86Asp (NM_001294332.2, NM_001330758.2); short protein forms N86D.
Identifiers: ClinVar variation 862840 (VCV000862840.12), dbSNP rs200519133, ClinGen allele CA112814685.